The following is an entry in ClinVar:

NM_001358921.2(COQ2):c.99T>A (p.Arg33=)

Genes: COQ2 (coenzyme Q2, polyprenyltransferase; minus strand), LOC112997540 (Sharpr-MPRA regulatory region 13773; plus strand). Cytogenetic location: 4q21.23.
Variant type: single nucleotide variant.
Coding change: c.99T>A on transcript NM_001358921.2 (MANE Select); coding-DNA position 99, T replaced by A.
Protein change: p.Arg33=; no amino-acid change (arginine 33 retained).
Molecular consequence: synonymous variant.
Genome position (GRCh38, 1-based): chr4:83,284,666, A>T on the plus strand (T>A on the coding strand, the complement: COQ2 is on the minus strand). VCF-style: chr4-83284666-A-T. GRCh37 (hg19) VCF-style: chr4-84205819-A-T.
Other names: c.249T>A, p.Arg83= (NM_015697.9).
Identifiers: ClinVar variation 3032732 (VCV003032732.2), dbSNP rs2529782226, ClinGen allele CA440233742.

ClinVar aggregate classification (germline): Likely benign (0 of 4 stars; one submission).

Conditions:
COQ2-related disorder. Also called: COQ2-related condition.

Submission:

PreventionGenetics, part of Exact Sciences
Classification: Likely benign for COQ2-related condition. Last evaluated: 2020-11-23. Review status: no assertion criteria provided. Collection method: clinical testing. Allele origin: germline.
Comment: This variant is classified as likely benign based on ACMG/AMP sequence variant interpretation guidelines (Richards et al. 2015 PMID: 25741868, with internal and published modifications).